The following is an entry in ClinVar:

NM_001394062.1(MACF1):c.14113C>T (p.Arg4705Trp)

Gene: MACF1 (microtubule actin crosslinking factor 1; plus strand). Cytogenetic location: 1p34.3.
Variant type: single nucleotide variant.
Coding change: c.14113C>T on transcript NM_001394062.1 (MANE Select); coding-DNA position 14113, C replaced by T.
Protein change: p.Arg4705Trp; replaces arginine 4705 with tryptophan.
Molecular consequence: missense variant.
Genome position (GRCh38, 1-based): chr1:39,385,698, C>T. VCF-style: chr1-39385698-C-T. GRCh37 (hg19) VCF-style: chr1-39851370-C-T.
Other names: c.7927C>T, p.Arg2643Trp (NM_012090.5); short protein forms R2643W, R4705W.
Identifiers: ClinVar variation 4681351 (VCV004681351.5).

ClinVar aggregate classification (germline): Likely benign (1 of 4 stars; one submission).

gnomAD v4.1: 41 of 1,614,018 alleles (0.0025%); highest among the groups gnomAD compares: South Asian, 0.0044%; no homozygotes.

Submission:

CeGaT Center for Human Genetics Tuebingen
Classification: Likely benign. Last evaluated: 2025-12-01. Review status: criteria provided, single submitter. Criteria: CeGaT Center For Human Genetics Tuebingen Variant Classification Criteria Version 2. Collection method: clinical testing. Allele origin: germline. Affected: yes. Observed: 1 variant allele.
Comment: MACF1: BP4